The following is an entry in ClinVar:

ClinVar aggregate classification (germline): Uncertain significance (1 of 4 stars; one submission).

Conditions:
Inborn genetic diseases. Identifiers: MedGen C0950123, MeSH D030342.

Submission:

Ambry Genetics
Classification: Uncertain significance for Inborn genetic diseases. Last evaluated: 2026-03-23. Review status: criteria provided, single submitter. Criteria: Ambry Variant Classification Scheme 2023. Collection method: clinical testing. Allele origin: germline.
Comment: The p.L53P variant (also known as c.158T>C), located in coding exon 2 of the FANCG gene, results from a T to C substitution at nucleotide position 158. The leucine at codon 53 is replaced by proline, an amino acid with similar properties. This amino acid position is conserved. In addition, this alteration is predicted to be deleterious by in silico analysis. Based on the available evidence, the clinical significance of this variant remains unclear.

NM_004629.2(FANCG):c.158T>C (p.Leu53Pro)

Gene: FANCG (FA complementation group G; minus strand). Cytogenetic location: 9p13.3.
Variant type: single nucleotide variant.
Coding change: c.158T>C on transcript NM_004629.2 (MANE Select); coding-DNA position 158, T replaced by C.
Protein change: p.Leu53Pro; replaces leucine 53 with proline.
Molecular consequence: missense variant.
Genome position (GRCh38, 1-based): chr9:35,079,168, A>G on the plus strand (T>C on the coding strand, the complement: FANCG is on the minus strand). VCF-style: chr9-35079168-A-G. GRCh37 (hg19) VCF-style: chr9-35079165-A-G.
Other names: short protein forms L53P.
Identifiers: ClinVar variation 4870976 (VCV004870976.1).